The following is an entry in ClinVar:

NM_004364.5(CEBPA):c.635A>G (p.His212Arg)

Gene: CEBPA (CCAAT enhancer binding protein alpha; minus strand). Cytogenetic location: 19q13.11.
Variant type: single nucleotide variant.
Coding change: c.635A>G on transcript NM_004364.5 (MANE Select); coding-DNA position 635, A replaced by G.
Protein change: p.His212Arg; replaces histidine 212 with arginine.
Molecular consequence: missense variant.
Genome position (GRCh38, 1-based): chr19:33,301,780, T>C on the plus strand (A>G on the coding strand, the complement: CEBPA is on the minus strand). VCF-style: chr19-33301780-T-C. GRCh37 (hg19) VCF-style: chr19-33792686-T-C.
Other names: c.278A>G, p.His93Arg (NM_001285829.2); c.740A>G, p.His247Arg (NM_001287424.2); c.593A>G, p.His198Arg (NM_001287435.2); short protein forms H212R, H247R, H198R, H93R.
Identifiers: ClinVar variation 1390287 (VCV001390287.6), dbSNP rs1967174956, ClinGen allele CA405274530.
Genomic context (GRCh38, chr19:33,301,780, plus strand): 5'-ACGGGCGTGGGCGGCGGCGTGGGGTGACCGGGCTGCAGGTGCATGGTGGTCTGGCCGCAG[T>C]GCGCGATCTGGAACTGCAGGTGCGGGGCGGCCAGGTGCGCGGGCGGCGGGTGCGGGTGCG-3'
Protein context (NP_004355.2, residues 202-222): AAPHLQFQIA[His212Arg]CGQTTMHLQP

ClinVar aggregate classification (germline): Uncertain significance (1 of 4 stars; one submission).

Conditions:
Acute myeloid leukemia (AML). Also called: Leukemia, acute myeloid, somatic; Leukemia, acute myelogenous, somatic; Acute myeloid leukemia, adult; AML adult; Acute non-lymphocytic leukemia; Acute granulocytic leukemia. Identifiers: Orphanet 519, MedGen C0023467, MeSH D015470, MONDO:0018874, OMIM 601626, HP:0004808. Disease mechanism: Constitutively activated FLT3.

Allele frequency attached by ClinVar (database versions not stated): gnomAD exomes below 0.00001.

Submission:

Labcorp Genetics (formerly Invitae), Labcorp
Classification: Uncertain significance for Acute myeloid leukemia. Last evaluated: 2021-09-15. Review status: criteria provided, single submitter. Criteria: Invitae Variant Classification Sherloc (09022015). Collection method: clinical testing. Allele origin: germline.
Comment: This sequence change replaces histidine with arginine at codon 212 of the CEBPA protein (p.His212Arg). The histidine residue is moderately conserved and there is a small physicochemical difference between histidine and arginine. In summary, the available evidence is currently insufficient to determine the role of this variant in disease. Therefore, it has been classified as a Variant of Uncertain Significance. Algorithms developed to predict the effect of missense changes on protein structure and function are either unavailable or do not agree on the potential impact of this missense change (SIFT: "Tolerated"; PolyPhen-2: "Probably Damaging"; Align-GVGD: "Class C0"). This variant has not been reported in the literature in individuals affected with CEBPA-related conditions. The frequency data for this variant in the population databases is considered unreliable, as metrics indicate insufficient coverage at this position in the ExAC database.